The following is an entry in ClinVar:

NM_001267550.2(TTN):c.54296del (p.His18099fs)

Genes: TTN (titin; minus strand), TTN-AS1 (TTN antisense RNA 1; plus strand). Cytogenetic location: 2q31.2.
Variant type: Deletion.
Coding change: c.54296del on transcript NM_001267550.2 (MANE Select); coding-DNA position 54296, one base deleted (A; older notation c.54296delA).
Protein change: p.His18099fs; shifts the reading frame from histidine 18099.
Molecular consequence: frameshift variant. On other transcripts: non-coding transcript variant (1).
Genome position (GRCh38, 1-based): chr2:178,604,793, T deleted on the plus strand (A on the coding strand, the reverse complement: TTN is on the minus strand). VCF-style (leftmost placement, unchanged base first): chr2-178604792-AT-A. GRCh37 (hg19) VCF-style: chr2-179469519-AT-A.
Other names: c.49373del, p.His16458fs (NM_001256850.1); c.27101del, p.His9034fs (NM_003319.4); c.46592del, p.His15531fs (NM_133378.4); c.27476del, p.His9159fs (NM_133432.3); c.27677del, p.His9226fs (NM_133437.4); short protein forms H15531fs, H16458fs, H18099fs, H9034fs, H9159fs, H9226fs.
Identifiers: ClinVar variation 5040280 (VCV005040280.1).

ClinVar aggregate classification (germline): Likely pathogenic (1 of 4 stars; one submission).

Submission:

CeGaT Center for Human Genetics Tuebingen
Classification: Likely pathogenic. Last evaluated: 2026-07-01. Review status: criteria provided, single submitter. Criteria: CeGaT Center For Human Genetics Tuebingen Variant Classification Criteria Version 2. Collection method: clinical testing. Allele origin: germline. Affected: yes. Observed: 1 variant allele.
Comment: TTN: PVS1:Strong, PM2